The following is an entry in ClinVar:

NM_005732.4(RAD50):c.1826A>G (p.Asn609Ser)

Gene: RAD50 (RAD50 double strand break repair protein; plus strand). Cytogenetic location: 5q31.1.
Variant type: single nucleotide variant.
Coding change: c.1826A>G on transcript NM_005732.4 (MANE Select); coding-DNA position 1826, A replaced by G.
Protein change: p.Asn609Ser; replaces asparagine 609 with serine.
Molecular consequence: missense variant.
Genome position (GRCh38, 1-based): chr5:132,594,901, A>G. VCF-style: chr5-132594901-A-G. GRCh37 (hg19) VCF-style: chr5-131930593-A-G.
Other names: short protein forms N609S.
Identifiers: ClinVar variation 1780841 (VCV001780841.4), dbSNP rs768404364, ClinGen allele CA3405283.

ClinVar aggregate classification (germline): Uncertain significance. Review status: criteria provided, multiple submitters, no conflicts (2 of 4 stars). 2 submissions from 2 submitters: Uncertain significance (2). Last evaluated 2024-10-14.

Conditions:
Hereditary cancer-predisposing syndrome. Also called: Neoplastic Syndromes, Hereditary; Tumor predisposition; Hereditary Cancer Syndrome; Hereditary neoplastic syndrome. Identifiers: Orphanet 140162, MedGen C0027672, MeSH D009386, MONDO:0015356.

Allele frequency attached by ClinVar (database versions not stated): gnomAD exomes below 0.00001; ExAC 0.00001.
gnomAD v4.1: 1 of 1,606,018 alleles (0.000062%); highest among the groups gnomAD compares: Non-Finnish European, 0.000085%; no homozygotes.

Submissions (2):

Ambry Genetics
Classification: Uncertain significance for Hereditary cancer-predisposing syndrome. Last evaluated: 2024-10-14. Review status: criteria provided, single submitter. Criteria: Ambry Variant Classification Scheme 2023. Collection method: clinical testing. Allele origin: germline.
Comment: The p.N609S variant (also known as c.1826A>G), located in coding exon 12 of the RAD50 gene, results from an A to G substitution at nucleotide position 1826. The asparagine at codon 609 is replaced by serine, an amino acid with highly similar properties. This amino acid position is not well conserved in available vertebrate species. In addition, this alteration is predicted to be tolerated by in silico analysis. Since supporting evidence is limited at this time, the clinical significance of this alteration remains unclear.

Women's Health and Genetics/Laboratory Corporation of America, LabCorp
Classification: Uncertain significance. Last evaluated: 2024-08-15. Review status: criteria provided, single submitter. Criteria: LabCorp Variant Classification Summary - May 2015. Collection method: clinical testing. Allele origin: germline.